The following is an entry in ClinVar:

ClinVar aggregate classification (germline): Uncertain significance (1 of 4 stars; one submission).

Conditions:
Inborn genetic diseases. Identifiers: MedGen C0950123, MeSH D030342.

Submission:

Ambry Genetics
Classification: Uncertain significance for Inborn genetic diseases. Last evaluated: 2026-02-22. Review status: criteria provided, single submitter. Criteria: Ambry Variant Classification Scheme 2023. Collection method: clinical testing. Allele origin: germline.
Comment: The p.M1109I variant (also known as c.3327G>A), located in coding exon 13 of the ASXL1 gene, results from a G to A substitution at nucleotide position 3327. The methionine at codon 1109 is replaced by isoleucine, an amino acid with highly similar properties. This amino acid position is conserved. In addition, this alteration is predicted to be tolerated by in silico analysis. Based on the available evidence, the clinical significance of this variant remains unclear.

NM_015338.6(ASXL1):c.3327G>A (p.Met1109Ile)

Gene: ASXL1 (ASXL transcriptional regulator 1; plus strand). Cytogenetic location: 20q11.21.
Variant type: single nucleotide variant.
Coding change: c.3327G>A on transcript NM_015338.6 (MANE Select); coding-DNA position 3327, G replaced by A.
Protein change: p.Met1109Ile; replaces methionine 1109 with isoleucine.
Molecular consequence: missense variant.
Genome position (GRCh38, 1-based): chr20:32,436,039, G>A. VCF-style: chr20-32436039-G-A. GRCh37 (hg19) VCF-style: chr20-31023842-G-A.
Other names: c.3144G>A, p.Met1048Ile (NM_001363734.1); short protein forms M1048I, M1109I.
Identifiers: ClinVar variation 4825246 (VCV004825246.1).